The following is an entry in ClinVar:

ClinVar aggregate classification (germline): Benign. Review status: criteria provided, multiple submitters, no conflicts (2 of 4 stars). 3 submissions from 3 submitters: Benign (3). Last evaluated 2026-01-30.

Conditions:
Creatine transporter deficiency (CCDS1). Also called: Mental retardation , X-linked with seizures, short stature and midface hypoplasia; Mental retardation , X-linked, with creatine transport deficiency; X-linked creatine transporter deficiency; X-linked creatine deficiency syndrome; SLC6A8-Related Creatine Transporter Deficiency; CREATINE TRANSPORTER DEFECT. Identifiers: Orphanet 52503, MedGen C1845862, MONDO:0010305, OMIM 300352.

Allele frequency attached by ClinVar (database versions not stated): gnomAD 0.00203 and 0.00260; TOPMed 0.00209; ESP Exome Variant Server 0.00293; gnomAD exomes 0.00485 and 0.00501; ExAC 0.00522; 1000 Genomes Project 30x 0.00624; 1000 Genomes Project 0.00715.
gnomAD v4.1: 5,528 of 1,198,600 alleles (0.46%); highest among the groups gnomAD compares: South Asian, 3.2%; 22 homozygotes.

Submissions (3):

Labcorp Genetics (formerly Invitae), Labcorp
Classification: Benign for Creatine transporter deficiency. Last evaluated: 2026-01-30. Review status: criteria provided, single submitter. Criteria: Invitae Variant Classification Sherloc (09022015). Collection method: clinical testing. Allele origin: germline.

Blueprint Genetics
Classification: Benign. Last evaluated: 2024-11-19. Review status: criteria provided, single submitter. Criteria: ACMG Guidelines, 2015. Collection method: clinical testing. Allele origin: germline.

GeneDx
Classification: Benign. Last evaluated: 2016-02-04. Review status: criteria provided, single submitter. Criteria: GeneDx Variant Classification (06012015). Collection method: clinical testing. Allele origin: germline. Affected: yes.
Comment: This variant is considered likely benign or benign based on one or more of the following criteria: it is a conservative change, it occurs at a poorly conserved position in the protein, it is predicted to be benign by multiple in silico algorithms, and/or has population frequency not consistent with disease.

NM_005629.4(SLC6A8):c.1496-18C>T

Gene: SLC6A8 (solute carrier family 6 member 8; plus strand). Cytogenetic location: Xq28.
Variant type: single nucleotide variant.
Coding change: c.1496-18C>T on transcript NM_005629.4 (MANE Select); 18 bases into the intron before coding-DNA position 1496, C replaced by T.
Molecular consequence: intron variant.
Genome position (GRCh38, 1-based): chrX:153,694,515, C>T. VCF-style: chrX-153694515-C-T. GRCh37 (hg19) VCF-style: chrX-152959970-C-T.
Other names: c.1466-18C>T (NM_001142805.2); c.1151-18C>T (NM_001142806.1).
Identifiers: ClinVar variation 379442 (VCV000379442.11), dbSNP rs201867256, ClinGen allele CA10549543.